The following is an entry in ClinVar:

NM_014712.3(SETD1A):c.4592G>A (p.Arg1531His)

Gene: SETD1A (SET domain containing 1A, histone lysine methyltransferase; plus strand). Cytogenetic location: 16p11.2.
Variant type: single nucleotide variant.
Coding change: c.4592G>A on transcript NM_014712.3 (MANE Select); coding-DNA position 4592, G replaced by A.
Protein change: p.Arg1531His; replaces arginine 1531 with histidine.
Molecular consequence: missense variant.
Genome position (GRCh38, 1-based): chr16:30,980,749, G>A. VCF-style: chr16-30980749-G-A. GRCh37 (hg19) VCF-style: chr16-30992070-G-A.
Other names: short protein forms R1531H.
Identifiers: ClinVar variation 3900944 (VCV003900944.1).

ClinVar aggregate classification (germline): Uncertain significance (1 of 4 stars; one submission).

Submission:

GeneDx
Classification: Uncertain significance. Last evaluated: 2024-11-27. Review status: criteria provided, single submitter. Criteria: GeneDx Variant Classification Process June 2021. Collection method: clinical testing. Allele origin: germline. Affected: yes.
Comment: Not observed at significant frequency in large population cohorts (gnomAD); In silico analysis supports that this missense variant has a deleterious effect on protein structure/function; Has not been previously published as pathogenic or benign to our knowledge